The following is an entry in ClinVar:

ClinVar aggregate classification (germline): Uncertain significance (1 of 4 stars; one submission).

Conditions:
Catecholaminergic polymorphic ventricular tachycardia 1. Also called: RYR2-Related Catecholaminergic Polymorphic Ventricular Tachycardia; VENTRICULAR TACHYCARDIA, STRESS-INDUCED POLYMORPHIC 1; VENTRICULAR TACHYCARDIA, CATECHOLAMINERGIC POLYMORPHIC, 1, WITH OR WITHOUT ATRIAL DYSFUNCTION AND/OR DILATED CARDIOMYOPATHY. Identifiers: Orphanet 3286, MedGen C1631597, MONDO:0011484, OMIM 604772.

Allele frequency attached by ClinVar (database versions not stated): gnomAD exomes below 0.00001.

Submission:

Labcorp Genetics (formerly Invitae), Labcorp
Classification: Uncertain significance for Catecholaminergic polymorphic ventricular tachycardia 1. Last evaluated: 2024-11-04. Review status: criteria provided, single submitter. Criteria: Invitae Variant Classification Sherloc (09022015). Collection method: clinical testing. Allele origin: germline.
Comment: This variant, c.898_900dup, results in the insertion of 1 amino acid(s) of the CASQ2 protein (p.Asp300dup), but otherwise preserves the integrity of the reading frame. This variant is present in population databases (no rsID available, gnomAD 0.003%). This variant has not been reported in the literature in individuals affected with CASQ2-related conditions. ClinVar contains an entry for this variant (Variation ID: 1511839). Experimental studies and prediction algorithms are not available or were not evaluated, and the functional significance of this variant is currently unknown. In summary, the available evidence is currently insufficient to determine the role of this variant in disease. Therefore, it has been classified as a Variant of Uncertain Significance.

NM_001232.4(CASQ2):c.898_900dup (p.Asp300dup)

Gene: CASQ2 (calsequestrin 2; minus strand). Cytogenetic location: 1p13.1.
Variant type: Duplication.
Coding change: c.898_900dup on transcript NM_001232.4 (MANE Select); coding-DNA positions 898 to 900, 3 bases duplicated (GAT; older notation c.898_900dupGAT).
Protein change: p.Asp300dup; duplicates aspartic acid 300.
Molecular consequence: inframe insertion.
Genome position (GRCh38, 1-based): chr1:115,705,231-115,705,233, ATC duplicated on the plus strand (GAT on the coding strand, the reverse complement: CASQ2 is on the minus strand). VCF-style (leftmost placement, unchanged base first): chr1-115705230-G-GATC. GRCh37 (hg19) VCF-style: chr1-116247851-G-GATC.
Identifiers: ClinVar variation 1511839 (VCV001511839.9), dbSNP rs1557785041, ClinGen allele CA525430143.